The following is an entry in ClinVar:

ClinVar aggregate classification (germline): Uncertain significance (1 of 4 stars; one submission).

Conditions:
Hereditary cancer-predisposing syndrome. Also called: Neoplastic Syndromes, Hereditary; Tumor predisposition; Hereditary Cancer Syndrome; Hereditary neoplastic syndrome. Identifiers: Orphanet 140162, MedGen C0027672, MeSH D009386, MONDO:0015356.

Submission:

Ambry Genetics
Classification: Uncertain significance for Hereditary cancer-predisposing syndrome. Last evaluated: 2026-05-24. Review status: criteria provided, single submitter. Criteria: Ambry Variant Classification Scheme 2023. Collection method: clinical testing. Allele origin: germline.
Comment: The p.I319T variant (also known as c.956T>C), located in coding exon 7 of the BRIP1 gene, results from a T to C substitution at nucleotide position 956. The isoleucine at codon 319 is replaced by threonine, an amino acid with similar properties. This amino acid position is conserved. In addition, this alteration is predicted to be tolerated by in silico analysis. Based on the available evidence, the clinical significance of this variant remains unclear.

NM_032043.3(BRIP1):c.956T>C (p.Ile319Thr)

Gene: BRIP1 (BRCA1 interacting DNA helicase 1; minus strand). Cytogenetic location: 17q23.2.
Variant type: single nucleotide variant.
Coding change: c.956T>C on transcript NM_032043.3 (MANE Select); coding-DNA position 956, T replaced by C.
Protein change: p.Ile319Thr; replaces isoleucine 319 with threonine.
Molecular consequence: missense variant.
Genome position (GRCh38, 1-based): chr17:61,801,437, A>G on the plus strand (T>C on the coding strand, the complement: BRIP1 is on the minus strand). VCF-style: chr17-61801437-A-G. GRCh37 (hg19) VCF-style: chr17-59878798-A-G.
Other names: short protein forms I319T.
Identifiers: ClinVar variation 4867936 (VCV004867936.1).